The following is an entry in ClinVar:

NM_001282531.3(ADNP):c.2230G>T (p.Glu744Ter)

Gene: ADNP (activity dependent neuroprotector homeobox; minus strand). Cytogenetic location: 20q13.13.
Variant type: single nucleotide variant.
Coding change: c.2230G>T on transcript NM_001282531.3 (MANE Select); coding-DNA position 2230, G replaced by T.
Protein change: p.Glu744Ter; replaces glutamic acid 744 with a stop codon.
Molecular consequence: nonsense.
Genome position (GRCh38, 1-based): chr20:50,892,484, C>A on the plus strand (G>T on the coding strand, the complement: ADNP is on the minus strand). VCF-style: chr20-50892484-C-A. GRCh37 (hg19) VCF-style: chr20-49509021-C-A.
Other names: c.2230G>T, p.Glu744Ter (NM_001282532.2, NM_001347511.2, NM_015339.5 and 1 more transcripts); short protein forms E744*.
Identifiers: ClinVar variation 489245 (VCV000489245.3), dbSNP rs1555809957, ClinGen allele CA408970920.

ClinVar aggregate classification (germline): Pathogenic (1 of 4 stars; one submission).

Submission:

GeneDx
Classification: Pathogenic. Last evaluated: 2020-03-27. Review status: criteria provided, single submitter. Criteria: GeneDx Variant Classification Process June 2021. Collection method: clinical testing. Allele origin: germline. Affected: yes.
Comment: Nonsense variant in the C-terminus predicted to result in protein truncation, as the last 359 amino acids are lost, and other loss-of-function variants have been reported downstream in the [Human Gene Mutation Database(Stenson et al., 2014); Not observed in large population cohorts (Lek et al., 2016); Has not been previously published as pathogenic or benign to our knowledge; This variant is associated with the following publications: (PMID: 32758449)